The following is an entry in ClinVar:

ClinVar aggregate classification (germline): Uncertain significance. Review status: criteria provided, multiple submitters, no conflicts (2 of 4 stars). 2 submissions from 2 submitters: Uncertain significance (2). Last evaluated 2022-08-19.

Allele frequency attached by ClinVar (database versions not stated): gnomAD exomes below 0.00001 and 0.00001; gnomAD 0.00001; ExAC 0.00002; TOPMed 0.00006; 1000 Genomes Project 30x 0.00016; 1000 Genomes Project 0.00020.
gnomAD v4.1: 10 of 1,614,140 alleles (0.00062%); highest among the groups gnomAD compares: African/African-American, 0.0053%; no homozygotes.

Submissions (2):

Blueprint Genetics
Classification: Uncertain significance. Last evaluated: 2022-08-19. Review status: criteria provided, single submitter. Criteria: ACMG Guidelines, 2015. Collection method: clinical testing. Allele origin: germline.

Labcorp Genetics (formerly Invitae), Labcorp
Classification: Uncertain significance. Last evaluated: 2022-06-27. Review status: criteria provided, single submitter. Criteria: Invitae Variant Classification Sherloc (09022015). Collection method: clinical testing. Allele origin: germline.
Comment: This sequence change replaces glycine, which is neutral and non-polar, with aspartic acid, which is acidic and polar, at codon 181 of the IDH3B protein (p.Gly181Asp). In summary, the available evidence is currently insufficient to determine the role of this variant in disease. Therefore, it has been classified as a Variant of Uncertain Significance. Algorithms developed to predict the effect of missense changes on protein structure and function are either unavailable or do not agree on the potential impact of this missense change (SIFT: "Not Available"; PolyPhen-2: "Probably Damaging"; Align-GVGD: "Not Available"). ClinVar contains an entry for this variant (Variation ID: 1038429). This variant has not been reported in the literature in individuals affected with IDH3B-related conditions. This variant is present in population databases (rs561350905, gnomAD 0.007%).

NM_006899.5(IDH3B):c.542G>A (p.Gly181Asp)

Gene: IDH3B (isocitrate dehydrogenase (NAD(+)) 3 non-catalytic subunit beta; minus strand). Cytogenetic location: 20p13.
Variant type: single nucleotide variant.
Coding change: c.542G>A on transcript NM_006899.5 (MANE Select); coding-DNA position 542, G replaced by A.
Protein change: p.Gly181Asp; replaces glycine 181 with aspartic acid.
Molecular consequence: missense variant. On other transcripts: non-coding transcript variant (1).
Genome position (GRCh38, 1-based): chr20:2,660,580, C>T on the plus strand (G>A on the coding strand, the complement: IDH3B is on the minus strand). VCF-style: chr20-2660580-C-T. GRCh37 (hg19) VCF-style: chr20-2641226-C-T.
Other names: c.542G>A, p.Gly181Asp (NM_001258384.3, NM_001330763.2, NM_174855.4); short protein forms G181D.
Identifiers: ClinVar variation 1038429 (VCV001038429.8), dbSNP rs561350905, ClinGen allele CA9735246.